The following is an entry in ClinVar:

NM_005859.5(PURA):c.310A>G (p.Met104Val)

Gene: PURA (purine rich element binding protein A; plus strand). Cytogenetic location: 5q31.3.
Variant type: single nucleotide variant.
Coding change: c.310A>G on transcript NM_005859.5 (MANE Select); coding-DNA position 310, A replaced by G.
Protein change: p.Met104Val; replaces methionine 104 with valine.
Molecular consequence: missense variant.
Genome position (GRCh38, 1-based): chr5:140,114,491, A>G. VCF-style: chr5-140114491-A-G. GRCh37 (hg19) VCF-style: chr5-139494076-A-G.
Other names: short protein forms M104V.
Identifiers: ClinVar variation 4823145 (VCV004823145.4).
Genomic context (GRCh38, chr5:140,114,491, plus strand): 5'-CGCTTCCTGAAGATCGCCGAGGTGGGCGCGGGCGGCAACAAGAGCCGCCTTACTCTCTCC[A>G]TGTCAGTGGCCGTGGAGTTCCGCGACTACCTGGGCGACTTCATCGAGCACTACGCGCAGC-3'
Protein context (NP_005850.1, residues 94-114): GGNKSRLTLS[Met104Val]SVAVEFRDYL

ClinVar aggregate classification (germline): Uncertain significance (1 of 4 stars; one submission).

Submission:

CeGaT Center for Human Genetics Tuebingen
Classification: Uncertain significance. Last evaluated: 2026-01-01. Review status: criteria provided, single submitter. Criteria: CeGaT Center For Human Genetics Tuebingen Variant Classification Criteria Version 2. Collection method: clinical testing. Allele origin: germline. Affected: yes. Observed: 1 variant allele.
Comment: PURA: PM2, PP2